The following is an entry in ClinVar:

NM_000171.4(GLRA1):c.103C>G (p.Pro35Ala)

Gene: GLRA1 (glycine receptor alpha 1; minus strand). Cytogenetic location: 5q33.1.
Variant type: single nucleotide variant.
Coding change: c.103C>G on transcript NM_000171.4 (MANE Select); coding-DNA position 103, C replaced by G.
Protein change: p.Pro35Ala; replaces proline 35 with alanine.
Molecular consequence: missense variant. On other transcripts: intron variant (1).
Genome position (GRCh38, 1-based): chr5:151,892,392, G>C on the plus strand (C>G on the coding strand, the complement: GLRA1 is on the minus strand). VCF-style: chr5-151892392-G-C. GRCh37 (hg19) VCF-style: chr5-151271953-G-C.
Other names: c.103C>G, p.Pro35Ala (NM_001146040.2); c.-65-5604C>G (NM_001292000.2); short protein forms P35A.
Identifiers: ClinVar variation 2819605 (VCV002819605.3), dbSNP rs2480063278, ClinGen allele CA361848023.

ClinVar aggregate classification (germline): Uncertain significance (1 of 4 stars; one submission).

Conditions:
Hereditary hyperekplexia. Identifiers: Orphanet 3197, MedGen C4084968, MONDO:0021022.

Submission:

Labcorp Genetics (formerly Invitae), Labcorp
Classification: Uncertain significance for Hereditary hyperekplexia. Last evaluated: 2022-12-09. Review status: criteria provided, single submitter. Criteria: Invitae Variant Classification Sherloc (09022015). Collection method: clinical testing. Allele origin: germline.
Comment: This sequence change replaces proline, which is neutral and non-polar, with alanine, which is neutral and non-polar, at codon 35 of the GLRA1 protein (p.Pro35Ala). In summary, the available evidence is currently insufficient to determine the role of this variant in disease. Therefore, it has been classified as a Variant of Uncertain Significance. Advanced modeling of protein sequence and biophysical properties (such as structural, functional, and spatial information, amino acid conservation, physicochemical variation, residue mobility, and thermodynamic stability) performed at Invitae indicates that this missense variant is not expected to disrupt GLRA1 protein function. This variant has not been reported in the literature in individuals affected with GLRA1-related conditions. This variant is not present in population databases (gnomAD no frequency).